The following is an entry in ClinVar:

ClinVar aggregate classification (germline): Uncertain significance. Review status: criteria provided, multiple submitters, no conflicts (2 of 4 stars). 2 submissions from 2 submitters: Uncertain significance (2). Last evaluated 2025-11-13.

Conditions:
Cardiovascular phenotype. Identifiers: MedGen CN230736.
RASopathy. Also called: rasopathies; Noonan spectrum disorder. Identifiers: Orphanet 536391, MedGen C5555857, MONDO:0021060.

Submissions (2):

Labcorp Genetics (formerly Invitae), Labcorp
Classification: Uncertain significance for RASopathy. Last evaluated: 2025-11-13. Review status: criteria provided, single submitter. Criteria: Invitae Variant Classification Sherloc (09022015). Collection method: clinical testing. Allele origin: germline.
Comment: This sequence change replaces glutamine, which is neutral and polar, with glutamic acid, which is acidic and polar, at codon 129 of the NRAS protein (p.Gln129Glu). This variant is not present in population databases (gnomAD no frequency). This variant has not been reported in the literature in individuals affected with NRAS-related conditions. ClinVar contains an entry for this variant (Variation ID: 3202018). Invitae Evidence Modeling of protein sequence and biophysical properties (such as structural, functional, and spatial information, amino acid conservation, physicochemical variation, residue mobility, and thermodynamic stability) indicates that this missense variant is not expected to disrupt NRAS protein function with a negative predictive value of 95%. In summary, the available evidence is currently insufficient to determine the role of this variant in disease. Therefore, it has been classified as a Variant of Uncertain Significance.

Ambry Genetics
Classification: Uncertain significance for Cardiovascular phenotype. Last evaluated: 2023-11-02. Review status: criteria provided, single submitter. Criteria: Ambry Variant Classification Scheme 2023. Collection method: clinical testing. Allele origin: germline.
Comment: The c.385C>G (p.Q129E) alteration is located in exon 4 (coding exon 3) of the NRAS gene. This alteration results from a C to G substitution at nucleotide position 385, causing the glutamine (Q) at amino acid position 129 to be replaced by a glutamic acid (E). This variant was not reported in population-based cohorts in the Genome Aggregation Database (gnomAD). This amino acid position is highly conserved in available vertebrate species. The in silico prediction for this alteration is inconclusive. Based on insufficient or conflicting evidence, the clinical significance of this alteration remains unclear.

NM_002524.5(NRAS):c.385C>G (p.Gln129Glu)

Gene: NRAS (NRAS proto-oncogene, GTPase; minus strand). Cytogenetic location: 1p13.2.
Variant type: single nucleotide variant.
Coding change: c.385C>G on transcript NM_002524.5 (MANE Select); coding-DNA position 385, C replaced by G.
Protein change: p.Gln129Glu; replaces glutamine 129 with glutamic acid.
Molecular consequence: missense variant.
Genome position (GRCh38, 1-based): chr1:114,709,634, G>C on the plus strand (C>G on the coding strand, the complement: NRAS is on the minus strand). VCF-style: chr1-114709634-G-C. GRCh37 (hg19) VCF-style: chr1-115252255-G-C.
Other names: short protein forms Q129E.
Identifiers: ClinVar variation 3202018 (VCV003202018.2), dbSNP rs2101738778, ClinGen allele CA341739346.